The following is an entry in ClinVar:

ClinVar aggregate classification (germline): Uncertain significance. Review status: criteria provided, multiple submitters, no conflicts (2 of 4 stars). 3 submissions from 3 submitters: Uncertain significance (3). Last evaluated 2024-11-19.

Conditions:
Inborn genetic diseases. Identifiers: MedGen C0950123, MeSH D030342.
Familial hemophagocytic lymphohistiocytosis 4 (FHL4). Also called: STX11-Related Familial Hemophagocytic Lymphohistiocytosis (STX11-fHLH). Identifiers: Orphanet 540, MedGen C1863728, MONDO:0011336, OMIM 603552.

Allele frequency attached by ClinVar (database versions not stated): gnomAD exomes 0.00002; ExAC 0.00003; TOPMed 0.00005; ESP Exome Variant Server 0.00008; gnomAD 0.00009; 1000 Genomes Project 30x 0.00016; 1000 Genomes Project 0.00020.
gnomAD v4.1: 25 of 1,613,332 alleles (0.0015%); highest among the groups gnomAD compares: African/African-American, 0.025%; no homozygotes.

Submissions (3):

Ambry Genetics
Classification: Uncertain significance for Inborn genetic diseases. Last evaluated: 2024-11-19. Review status: criteria provided, single submitter. Criteria: Ambry Variant Classification Scheme 2023. Collection method: clinical testing. Allele origin: germline.

Blueprint Genetics
Classification: Uncertain significance. Last evaluated: 2022-07-25. Review status: criteria provided, single submitter. Criteria: ACMG Guidelines, 2015. Collection method: clinical testing. Allele origin: germline.

Labcorp Genetics (formerly Invitae), Labcorp
Classification: Uncertain significance for Familial hemophagocytic lymphohistiocytosis 4. Last evaluated: 2021-08-24. Review status: criteria provided, single submitter. Criteria: Invitae Variant Classification Sherloc (09022015). Collection method: clinical testing. Allele origin: germline.
Comment: This sequence change replaces histidine with glutamine at codon 144 of the STX11 protein (p.His144Gln). The histidine residue is weakly conserved and there is a small physicochemical difference between histidine and glutamine. This variant is present in population databases (rs149492643, ExAC 0.03%). This variant has not been reported in the literature in individuals affected with STX11-related conditions. Algorithms developed to predict the effect of missense changes on protein structure and function output the following: SIFT: "Tolerated"; PolyPhen-2: "Benign"; Align-GVGD: "Class C0". The glutamine amino acid residue is found in multiple mammalian species, which suggests that this missense change does not adversely affect protein function. Algorithms developed to predict the effect of sequence changes on RNA splicing suggest that this variant may create or strengthen a splice site. In summary, the available evidence is currently insufficient to determine the role of this variant in disease. Therefore, it has been classified as a Variant of Uncertain Significance.

NM_003764.4(STX11):c.432C>G (p.His144Gln)

Gene: STX11 (syntaxin 11; plus strand). Cytogenetic location: 6q24.2.
Variant type: single nucleotide variant.
Coding change: c.432C>G on transcript NM_003764.4 (MANE Select); coding-DNA position 432, C replaced by G.
Protein change: p.His144Gln; replaces histidine 144 with glutamine.
Molecular consequence: missense variant.
Genome position (GRCh38, 1-based): chr6:144,187,059, C>G. VCF-style: chr6-144187059-C-G. GRCh37 (hg19) VCF-style: chr6-144508196-C-G.
Other names: short protein forms H144Q.
Identifiers: ClinVar variation 966489 (VCV000966489.9), dbSNP rs149492643, ClinGen allele CA4031710.